The following is an entry in ClinVar:

NM_004281.4(BAG3):c.665A>G (p.Gln222Arg)

Gene: BAG3 (BAG cochaperone 3; plus strand). Cytogenetic location: 10q26.11.
Variant type: single nucleotide variant.
Coding change: c.665A>G on transcript NM_004281.4 (MANE Select); coding-DNA position 665, A replaced by G.
Protein change: p.Gln222Arg; replaces glutamine 222 with arginine.
Molecular consequence: missense variant.
Genome position (GRCh38, 1-based): chr10:119,672,412, A>G. VCF-style: chr10-119672412-A-G. GRCh37 (hg19) VCF-style: chr10-121431924-A-G.
Other names: short protein forms Q222R.
Identifiers: ClinVar variation 2056443 (VCV002056443.4), dbSNP rs2494013939, ClinGen allele CA378295541.

ClinVar aggregate classification (germline): Uncertain significance (1 of 4 stars; one submission).

Conditions:
Myofibrillar myopathy 6. Identifiers: Orphanet 199340, MedGen C2751831, MONDO:0013061, OMIM 612954.
Dilated cardiomyopathy 1HH (CMD1HH). Identifiers: Orphanet 154, MedGen C3151293, MONDO:0013479, OMIM 613881.

Submission:

Labcorp Genetics (formerly Invitae), Labcorp
Classification: Uncertain significance for Dilated cardiomyopathy 1HH; Myofibrillar myopathy 6. Last evaluated: 2022-07-06. Review status: criteria provided, single submitter. Criteria: Invitae Variant Classification Sherloc (09022015). Collection method: clinical testing. Allele origin: germline.
Comment: This variant has not been reported in the literature in individuals affected with BAG3-related conditions. Algorithms developed to predict the effect of missense changes on protein structure and function are either unavailable or do not agree on the potential impact of this missense change (SIFT: "Tolerated"; PolyPhen-2: "Probably Damaging"; Align-GVGD: "Class C0"). In summary, the available evidence is currently insufficient to determine the role of this variant in disease. Therefore, it has been classified as a Variant of Uncertain Significance. This sequence change replaces glutamine, which is neutral and polar, with arginine, which is basic and polar, at codon 222 of the BAG3 protein (p.Gln222Arg). This variant is not present in population databases (gnomAD no frequency).